The following is an entry in ClinVar:

ClinVar aggregate classification (germline): Likely benign (0 of 4 stars; one submission).

Conditions:
KCNQ1-related disorder. Also called: KCNQ1-related disorders; KCNQ1-related condition. Identifiers: MedGen CN239322.

Allele frequency attached by ClinVar (database versions not stated): gnomAD 0.00001; TOPMed 0.00001; gnomAD exomes 0.00002.
gnomAD v4.1: 5 of 398,470 alleles (0.0013%); highest among the groups gnomAD compares: Non-Finnish European, 0.0022%; no homozygotes.

Submission:

PreventionGenetics, part of Exact Sciences
Classification: Likely benign for KCNQ1-related condition. Last evaluated: 2022-06-24. Review status: no assertion criteria provided. Collection method: clinical testing. Allele origin: germline.
Comment: This variant is classified as likely benign based on ACMG/AMP sequence variant interpretation guidelines (Richards et al. 2015 PMID: 25741868, with internal and published modifications).

NM_000218.3(KCNQ1):c.1514+17117T>C

Genes: KCNQ1 (potassium voltage-gated channel subfamily Q member 1; plus strand), KCNQ1OT1 (KCNQ1 opposite strand/antisense transcript 1; minus strand). Cytogenetic location: 11p15.5.
Variant type: single nucleotide variant.
Coding change: c.1514+17117T>C on transcript NM_000218.3 (MANE Select); 17117 bases into the intron after coding-DNA position 1514, T replaced by C.
Molecular consequence: intron variant. On other transcripts: non-coding transcript variant (1).
Genome position (GRCh38, 1-based): chr11:2,679,198, T>C. VCF-style: chr11-2679198-T-C. GRCh37 (hg19) VCF-style: chr11-2700428-T-C.
Other names: c.1244+17117T>C (NM_001406837.1); c.1418+17117T>C (NM_001406836.1); c.974+17117T>C (NM_001406838.1); c.1133+17117T>C (NM_181798.2).
Identifiers: ClinVar variation 3029206 (VCV003029206.2), dbSNP rs1850344901, ClinGen allele CA472820377.